The following is an entry in ClinVar:

NM_014241.4(HACD1):c.746A>G (p.Tyr249Cys)

Gene: HACD1 (3-hydroxyacyl-CoA dehydratase 1; minus strand). Cytogenetic location: 10p12.33.
Variant type: single nucleotide variant.
Coding change: c.746A>G on transcript NM_014241.4 (MANE Select); coding-DNA position 746, A replaced by G.
Protein change: p.Tyr249Cys; replaces tyrosine 249 with cysteine.
Molecular consequence: missense variant.
Genome position (GRCh38, 1-based): chr10:17,594,243, T>C on the plus strand (A>G on the coding strand, the complement: HACD1 is on the minus strand). VCF-style: chr10-17594243-T-C. GRCh37 (hg19) VCF-style: chr10-17636242-T-C.
Other names: short protein forms Y249C.
Identifiers: ClinVar variation 709447 (VCV000709447.10), dbSNP rs146791312, ClinGen allele CA5427221.

ClinVar aggregate classification (germline): Likely benign. Review status: criteria provided, multiple submitters, no conflicts (2 of 4 stars). 2 submissions from 2 submitters: Likely benign (2). Last evaluated 2026-03-11.

Conditions:
HACD1-related disorder. Also called: HACD1-related condition.

Allele frequency attached by ClinVar (database versions not stated): gnomAD exomes 0.00009; gnomAD 0.00076; TOPMed 0.00111; ESP Exome Variant Server 0.00115; 1000 Genomes Project 0.00160; 1000 Genomes Project 30x 0.00219.
gnomAD v4.1: 313 of 1,586,742 alleles (0.02%); highest among the groups gnomAD compares: African/African-American, 0.39%; no homozygotes.

Submissions (2):

PreventionGenetics, part of Exact Sciences
Classification: Likely benign for HACD1-related condition. Last evaluated: 2026-03-11. Review status: criteria provided, single submitter. Criteria: ACMG Guidelines, 2015. Collection method: clinical testing. Allele origin: germline.
Comment: This variant is classified as likely benign based on ACMG/AMP sequence variant interpretation guidelines (Richards et al. 2015 PMID: 25741868, with internal and published modifications).

Labcorp Genetics (formerly Invitae), Labcorp
Classification: Likely benign. Last evaluated: 2025-10-27. Review status: criteria provided, single submitter. Criteria: Invitae Variant Classification Sherloc (09022015). Collection method: clinical testing. Allele origin: germline.